The following is an entry in ClinVar:

NM_001039876.3(SYNE4):c.106G>A (p.Ala36Thr)

Gene: SYNE4 (spectrin repeat containing nuclear envelope family member 4; minus strand). Cytogenetic location: 19q13.12.
Variant type: single nucleotide variant.
Coding change: c.106G>A on transcript NM_001039876.3 (MANE Select); coding-DNA position 106, G replaced by A.
Protein change: p.Ala36Thr; replaces alanine 36 with threonine.
Molecular consequence: missense variant.
Genome position (GRCh38, 1-based): chr19:36,008,576, C>T on the plus strand (G>A on the coding strand, the complement: SYNE4 is on the minus strand). VCF-style: chr19-36008576-C-T. GRCh37 (hg19) VCF-style: chr19-36499478-C-T.
Other names: p.Ala36Thr; c.106G>A, p.Ala36Thr (NM_001297735.3); short protein forms A36T.
Identifiers: ClinVar variation 218492 (VCV000218492.16), dbSNP rs774276326, ClinGen allele CA249289.

ClinVar aggregate classification (germline): Conflicting classifications of pathogenicity. Review status: criteria provided, conflicting classifications (1 of 4 stars). 5 submissions from 5 submitters: Uncertain significance (4); Likely benign (1). Last evaluated 2025-12-19.

Allele frequency attached by ClinVar (database versions not stated): ExAC 0.00003; gnomAD 0.00003 and 0.00004; gnomAD exomes 0.00002 and 0.00003; TOPMed 0.00003.

Submissions (5):

GeneDx
Classification: Uncertain significance. Last evaluated: 2025-12-19. Review status: criteria provided, single submitter. Criteria: GeneDx Variant Classification Process June 2021. Collection method: clinical testing. Allele origin: germline. Affected: yes.
Comment: Not observed at significant frequency in large population cohorts (gnomAD); In silico analysis supports that this missense variant has a deleterious effect on protein structure/function; Has not been previously published as pathogenic or benign to our knowledge

Ambry Genetics
Classification: Uncertain significance. Last evaluated: 2025-07-03. Review status: criteria provided, single submitter. Criteria: Ambry Variant Classification Scheme 2023. Collection method: clinical testing. Allele origin: germline.

Labcorp Genetics (formerly Invitae), Labcorp
Classification: Uncertain significance. Last evaluated: 2021-09-01. Review status: criteria provided, single submitter. Criteria: Invitae Variant Classification Sherloc (09022015). Collection method: clinical testing. Allele origin: germline.
Comment: This sequence change replaces alanine with threonine at codon 36 of the SYNE4 protein (p.Ala36Thr). The alanine residue is highly conserved and there is a small physicochemical difference between alanine and threonine. This variant is present in population databases (rs774276326, ExAC 0.01%). This variant has not been reported in the literature in individuals affected with SYNE4-related conditions. ClinVar contains an entry for this variant (Variation ID: 218492). Algorithms developed to predict the effect of missense changes on protein structure and function output the following: SIFT: "Deleterious"; PolyPhen-2: "Probably Damaging"; Align-GVGD: "Class C0". The threonine amino acid residue is found in multiple mammalian species, which suggests that this missense change does not adversely affect protein function. In summary, the available evidence is currently insufficient to determine the role of this variant in disease. Therefore, it has been classified as a Variant of Uncertain Significance.

Laboratory for Molecular Medicine, Mass General Brigham Personalized Medicine
Classification: Likely benign. Last evaluated: 2018-10-10. Review status: criteria provided, single submitter. Criteria: LMM Criteria. Collection method: clinical testing. Allele origin: germline. Observed: 1 variant allele.
Comment: The p.Ala36Thr variant in SYNE4 is classified as likely benign due to a lack of conservation across species. Three mammals (green monkey, black flying fox, mega bat) carry a threonine (Thr) at this position despite high nearby amino acid con servation. It has been identified in 6/126500 European chromosomes by gnomAD. ACMG/AMP Criteria applied: BP4_Strong.

Genomic Diagnostic Laboratory, Division of Genomic Diagnostics, Children's Hospital of Philadelphia
Classification: Uncertain significance. Last evaluated: 2015-06-26. Review status: criteria provided, single submitter. Criteria: DGD Variant Analysis Guidelines. Collection method: clinical testing. Allele origin: unknown.